The following is an entry in ClinVar:

ClinVar aggregate classification (germline): Conflicting classifications of pathogenicity. Review status: criteria provided, conflicting classifications (1 of 4 stars). 4 submissions from 4 submitters: Pathogenic (1); Likely pathogenic (1); Uncertain significance (2). Last evaluated 2026-04-08.

Conditions:
Glycogen storage disease, type I. Identifiers: Orphanet 364, MedGen C0017920, MONDO:0002413.
Glucose-6-phosphate transport defect (GSD1B). Also called: GSD Ib; Glycogen Storage Disease Type Ib. Identifiers: Orphanet 364, Orphanet 79259, MedGen C0268146, MONDO:0009288, OMIM 232220.

Submissions (4):

Myriad Genetics, Inc.
Classification: Pathogenic for Glycogen storage disease, type I. Last evaluated: 2026-04-08. Review status: criteria provided, single submitter. Criteria: Myriad Autosomal Dominant, Autosomal Recessive and X-Linked Classification Criteria (2023). Collection method: clinical testing. Allele origin: unknown.
Comment: NM_001164277.1(SLC37A4):c.92_94delTCT(F31del) is an in-frame deletion classified as pathogenic in the context of glycogen storage disease type Ib. F31del has been observed in cases with relevant disease (PMID: 31508908, 33977030, 37206252, 40009380). Relevant functional assessments of this variant are not available in the literature. F31del has been observed in referenced population frequency databases. In summary, NM_001164277.1(SLC37A4):c.92_94delTCT(F31del) is an in-frame deletion that has been observed more frequently in cases with the relevant disease than in healthy populations. Please note: this variant was assessed in the context of healthy population screening.

Labcorp Genetics (formerly Invitae), Labcorp
Classification: Uncertain significance for Glucose-6-phosphate transport defect. Last evaluated: 2022-09-09. Review status: criteria provided, single submitter. Criteria: Invitae Variant Classification Sherloc (09022015). Collection method: clinical testing. Allele origin: germline.
Comment: This variant is also known as c.92_94delTCT (p.Phe31_Ser32delinsSer). In summary, the available evidence is currently insufficient to determine the role of this variant in disease. Therefore, it has been classified as a Variant of Uncertain Significance. Experimental studies and prediction algorithms are not available or were not evaluated, and the functional significance of this variant is currently unknown. ClinVar contains an entry for this variant (Variation ID: 973538). This variant has been observed in individual(s) with SLC37A4-related conditions (PMID: 31508908, 33083013, 33977030). This variant is present in population databases (no rsID available, gnomAD 0.01%). This variant, c.92_94del, results in the deletion of 1 amino acid(s) of the SLC37A4 protein (p.Phe31del), but otherwise preserves the integrity of the reading frame.

3billion
Classification: Uncertain significance for Glucose-6-phosphate transport defect. Last evaluated: 2022-01-03. Review status: criteria provided, single submitter. Criteria: ACMG Guidelines, 2015. Collection method: clinical testing. Allele origin: germline. Affected: yes. Observed: 1 homozygote.
Comment: The variant has been reported to be associated with SLC37A4 related disorder (ClinVar ID: VCV000973538, PMID:31508908).It is observed at an extremely low frequency in the gnomAD v2.1.1 dataset (total allele frequency: 0.000016, PM2_M). This inframe deletion in the non-repeat region can change the length of the protein and disrupt protein function (PM4_M). Therefore, this variant is classified as uncertain significance according to the recommendation of ACMG/AMP guideline.

CENTOGENE GmbH and LLC - Guiding Precision Medicine
Classification: Likely pathogenic for Glycogen storage disease type 1B. Review status: criteria provided, single submitter. Criteria: ACMG Guidelines, 2015. Collection method: clinical testing. Allele origin: germline. Affected: yes.

Literature cited by the submitters: PubMed 31508908 (cited by 3 submitters); PubMed 33977030 (cited by Myriad Genetics, Inc. and Labcorp Genetics (formerly Invitae), Labcorp); PubMed 37206252 (cited by Myriad Genetics, Inc.); PubMed 40009380 (cited by Myriad Genetics, Inc.); PubMed 33083013 (cited by Labcorp Genetics (formerly Invitae), Labcorp).

NM_001164277.2(SLC37A4):c.92_94del (p.Phe31del)

Gene: SLC37A4 (solute carrier family 37 member 4; minus strand). Cytogenetic location: 11q23.3.
Variant type: Deletion.
Coding change: c.92_94del on transcript NM_001164277.2 (MANE Select); coding-DNA positions 92 to 94, 3 bases deleted (TCT; older notation c.92_94delTCT).
Protein change: p.Phe31del; deletes phenylalanine 31.
Molecular consequence: inframe deletion. On other transcripts: intron variant (1).
Genome position (GRCh38, 1-based): chr11:119,029,276-119,029,278, AGA deleted on the plus strand (TCT on the coding strand, the reverse complement: SLC37A4 is on the minus strand); deleting any 3 consecutive bases within chr11:119,029,276-119,029,280 gives the same sequence; the c. name uses the placement nearest the transcript's 3' end. VCF-style (leftmost placement, unchanged base first): chr11-119029275-GAGA-G. GRCh37 (hg19) VCF-style: chr11-118899985-GAGA-G.
Other names: c.92_94del, p.Phe31del (NM_001164278.2, NM_001164280.2, NM_001467.6); c.-172+114_-172+116del (NM_001164279.2); short protein forms F31del.
Identifiers: ClinVar variation 973538 (VCV000973538.9), dbSNP rs1432360280, ClinGen allele CA602577840.